The following is an entry in ClinVar:

ClinVar aggregate classification (germline): Pathogenic (1 of 4 stars; one submission).

Conditions:
Hereditary cancer-predisposing syndrome. Also called: Neoplastic Syndromes, Hereditary; Tumor predisposition; Hereditary Cancer Syndrome; Hereditary neoplastic syndrome. Identifiers: Orphanet 140162, MedGen C0027672, MeSH D009386, MONDO:0015356.

Submission:

Ambry Genetics
Classification: Pathogenic for Hereditary cancer-predisposing syndrome. Last evaluated: 2024-09-03. Review status: criteria provided, single submitter. Criteria: Ambry Variant Classification Scheme 2023. Collection method: clinical testing. Allele origin: germline.
Comment: The p.Y79* variant (also known as c.237T>G), located in coding exon 4 of the PALB2 gene, results from a T to G substitution at nucleotide position 237. This changes the amino acid from a tyrosine to a stop codon within coding exon 4. This variant is considered to be rare based on population cohorts in the Genome Aggregation Database (gnomAD). This alteration is expected to result in loss of function by premature protein truncation or nonsense-mediated mRNA decay. As such, this alteration is interpreted as a disease-causing mutation.

NM_024675.4(PALB2):c.237T>G (p.Tyr79Ter)

Gene: PALB2 (partner and localizer of BRCA2; minus strand). Cytogenetic location: 16p12.2.
Variant type: single nucleotide variant.
Coding change: c.237T>G on transcript NM_024675.4 (MANE Select); coding-DNA position 237, T replaced by G.
Protein change: p.Tyr79Ter; replaces tyrosine 79 with a stop codon.
Molecular consequence: nonsense. On other transcripts: 5 prime UTR variant (8), intron variant (3).
Genome position (GRCh38, 1-based): chr16:23,636,309, A>C on the plus strand (T>G on the coding strand, the complement: PALB2 is on the minus strand). VCF-style: chr16-23636309-A-C. GRCh37 (hg19) VCF-style: chr16-23647630-A-C.
Other names: c.177T>G, p.Tyr59Ter (NM_001407296.1); c.237T>G, p.Tyr79Ter (NM_001407297.1, NM_001407298.1, NM_001407299.1 and 3 more transcripts); c.-649T>G (NM_001407304.1, NM_001407305.1, NM_001407306.1 and 5 more transcripts); c.48+4801T>G (NM_001407314.1); c.-105+4801T>G (NM_001407313.1, NM_001407312.1); short protein forms Y79*, Y59*.
Identifiers: ClinVar variation 3413458 (VCV003413458.1).